The following is an entry in ClinVar:

NM_001368894.2(PAX6):c.205A>T (p.Lys69Ter)

Gene: PAX6 (paired box 6; minus strand). Cytogenetic location: 11p13.
Variant type: single nucleotide variant.
Coding change: c.205A>T on transcript NM_001368894.2 (MANE Select); coding-DNA position 205, A replaced by T.
Protein change: p.Lys69Ter; replaces lysine 69 with a stop codon.
Molecular consequence: nonsense. On other transcripts: 5 prime UTR variant (14), non-coding transcript variant (2), intron variant (8).
Genome position (GRCh38, 1-based): chr11:31,801,755, T>A on the plus strand (A>T on the coding strand, the complement: PAX6 is on the minus strand). VCF-style: chr11-31801755-T-A. GRCh37 (hg19) VCF-style: chr11-31823303-T-A.
Other names: c.163A>T, p.Lys55Ter (NM_000280.6, NM_001127612.3, NM_001258464.2 and 10 more transcripts); c.205A>T, p.Lys69Ter (NM_001258462.3, NM_001258463.2, NM_001310158.2 and 6 more transcripts); c.-577A>T (NM_001310160.2, NM_001368902.2, NM_001368905.2); c.-246A>T (NM_001310161.3, NM_001368899.2, NM_001368900.2 and 8 more transcripts); c.406A>T, p.Lys136Ter (NM_001368910.2); c.208A>T, p.Lys70Ter (NM_001368911.2); c.280A>T, p.Lys94Ter (NM_001368918.2, NM_001368919.2); c.238A>T, p.Lys80Ter (NM_001368920.2); and 2 more; short protein forms K55*, K136*, K70*, K80*, K94*, K69*.
Identifiers: ClinVar variation 800407 (VCV000800407.4), dbSNP rs1592546120, ClinGen allele CA379959071.

ClinVar aggregate classification (germline): Pathogenic. Review status: criteria provided, multiple submitters, no conflicts (2 of 4 stars). 3 submissions from 3 submitters: Pathogenic (3). Last evaluated 2025-09-14.

Conditions:
Aniridia 1 (AN1). Identifiers: Orphanet 250923, MedGen C0344542, MONDO:0024507, OMIM 106210.
Irido-corneo-trabecular dysgenesis (ASGD5). Also called: ANTERIOR SEGMENT DYSGENESIS 5. Identifiers: Orphanet 708, MedGen C0344559, MONDO:0011414, OMIM 604229, HP:0000659.

Submissions (3):

Labcorp Genetics (formerly Invitae), Labcorp
Classification: Pathogenic for Aniridia 1; Irido-corneo-trabecular dysgenesis. Last evaluated: 2025-09-14. Review status: criteria provided, single submitter. Criteria: Invitae Variant Classification Sherloc (09022015). Collection method: clinical testing. Allele origin: germline.
Comment: This sequence change creates a premature translational stop signal (p.Lys55*) in the PAX6 gene. It is expected to result in an absent or disrupted protein product. Loss-of-function variants in PAX6 are known to be pathogenic (PMID: 12634864). This variant is not present in population databases (gnomAD no frequency). This variant has not been reported in the literature in individuals affected with PAX6-related conditions. ClinVar contains an entry for this variant (Variation ID: 800407). For these reasons, this variant has been classified as Pathogenic.

GeneDx
Classification: Pathogenic. Last evaluated: 2024-04-24. Review status: criteria provided, single submitter. Criteria: GeneDx Variant Classification Process June 2021. Collection method: clinical testing. Allele origin: germline. Affected: yes.
Comment: Nonsense variant predicted to result in protein truncation or nonsense mediated decay in a gene for which loss of function is a known mechanism of disease; Not observed at significant frequency in large population cohorts (gnomAD); This variant is associated with the following publications: (PMID: 34101622, 32360764)

Wessex Regional Genetics Laboratory, Salisbury District Hospital
Classification: Pathogenic for Aniridia 1. Last evaluated: 2019-08-15. Review status: criteria provided, single submitter. Criteria: ACMG Guidelines, 2015. Collection method: clinical testing. Allele origin: inherited. Inheritance: Autosomal dominant inheritance. Affected: yes. Observed: 2 variant alleles.

Literature cited by the submitters: PubMed 12634864 (cited by Labcorp Genetics (formerly Invitae), Labcorp).